The following is an entry in ClinVar:

ClinVar aggregate classification (germline): Uncertain significance (1 of 4 stars; one submission).

Submission:

Ambry Genetics
Classification: Uncertain significance. Last evaluated: 2025-04-12. Review status: criteria provided, single submitter. Criteria: Ambry Variant Classification Scheme 2023. Collection method: clinical testing. Allele origin: germline.
Comment: The p.S241C variant (also known as c.722C>G), located in coding exon 1 of the MLH3 gene, results from a C to G substitution at nucleotide position 722. The serine at codon 241 is replaced by cysteine, an amino acid with dissimilar properties. This amino acid position is conserved. In addition, this alteration is predicted to be tolerated by in silico analysis. Based on the available evidence, the clinical significance of this variant remains unclear.

NM_001040108.2(MLH3):c.722C>G (p.Ser241Cys)

Gene: MLH3 (mutL homolog 3; minus strand). Cytogenetic location: 14q24.3.
Variant type: single nucleotide variant.
Coding change: c.722C>G on transcript NM_001040108.2 (MANE Select); coding-DNA position 722, C replaced by G.
Protein change: p.Ser241Cys; replaces serine 241 with cysteine.
Molecular consequence: missense variant.
Genome position (GRCh38, 1-based): chr14:75,048,934, G>C on the plus strand (C>G on the coding strand, the complement: MLH3 is on the minus strand). VCF-style: chr14-75048934-G-C. GRCh37 (hg19) VCF-style: chr14-75515637-G-C.
Other names: c.722C>G, p.Ser241Cys (NM_014381.3); short protein forms S241C.
Identifiers: ClinVar variation 4055482 (VCV004055482.1).